The following is an entry in ClinVar:

NM_015978.3(TNNI3K):c.638_639insTTTTTTTTTTTTTTTTTTTTNNNNNNNNNNGTCTCGATCTCCTGTCCTATTGATCCAACCTCCTCGGCCTACCAAAGTGCTGGGATTTCAGGCGTTAGCCTCCTCGCCCGGCCAGGATTCTT (p.Leu213fs)

Genes: FPGT-TNNI3K (FPGT-TNNI3K readthrough; plus strand), TNNI3K (TNNI3 interacting kinase; plus strand). Cytogenetic location: 1p31.1.
Variant type: Insertion.
Coding change: c.638_639insTTTTTTTTTTTTTTTTTTTTNNNNNNNNNNGTCTCGATCTCCTGTCCTATTGATCCAACCTCCTCGGCCTACCAAAGTGCTGGGATTTCAGGCGTTAGCCTCCTCGCCCGGCCAGGATTCTT on transcript NM_015978.3 (MANE Select); coding-DNA positions 638 to 639, TTTTTTTTTTTTTTTTTTTTNNNNNNNNNNGTCTCGATCTCCTGTCCTATTGATCCAACCTCCTCGGCCTACCAAAGTGCTGGGATTTCAGGCGTTAGCCTCCTCGCCCGGCCAGGATTCTT inserted.
Protein change: p.Leu213fs; shifts the reading frame from leucine 213.
Molecular consequence: frameshift variant.
Genome position: GRCh38: chr1:74,336,105-74,336,106. GRCh37 (hg19): chr1:74,801,789-74,801,790.
Other names: c.941_942insTTTTTTTTTTTTTTTTTTTTNNNNNNNNNNGTCTCGATCTCCTGTCCTATTGATCCAACCTCCTCGGCCTACCAAAGTGCTGGGATTTCAGGCGTTAGCCTCCTCGCCCGGCCAGGATTCTT, p.Leu314fs (NM_001112808.3, NM_001199327.2); short protein forms L213fs, L314fs.
Identifiers: ClinVar variation 2115549 (VCV002115549.4), dbSNP rs2524333070.

ClinVar aggregate classification (germline): Uncertain significance (1 of 4 stars; one submission).

Submission:

Labcorp Genetics (formerly Invitae), Labcorp
Classification: Uncertain significance. Last evaluated: 2025-12-08. Review status: criteria provided, single submitter. Criteria: Invitae Variant Classification Sherloc (09022015). Collection method: clinical testing. Allele origin: germline.
Comment: This sequence change inserts a large fragment of DNA, likely a transposable element, in exon 7 of the TNNI3K gene (c.638_639ins?), causing a frameshift at codon 213 (p.Leu213fs). The exact size and sequence of the insertion cannot be determined by the current assay. However, the insertion is expected to result in an absent or disrupted protein product. This variant is not present in population databases (gnomAD no frequency). This variant has not been reported in the literature in individuals affected with TNNI3K-related conditions. ClinVar contains an entry for this variant (Variation ID: 2115549). Retrotransposon insertions including LINE1 (L1), Alu, and SVA (SINE-VNTR-Alu) have been reported to disrupt protein function (PMID: 19763152, 20307669, 22406018). However the effect of this particular variant is unknown. In summary, the available evidence is currently insufficient to determine the role of this variant in disease. Therefore, it has been classified as a Variant of Uncertain Significance.

Literature cited by the submitters: PubMed 19763152; PubMed 20307669; PubMed 22406018.